The following is an entry in ClinVar:

NM_000368.5(TSC1):c.116_119dup (p.Met40fs)

Gene: TSC1 (TSC complex subunit 1; minus strand). Cytogenetic location: 9q34.13.
Variant type: Duplication.
Coding change: c.116_119dup on transcript NM_000368.5 (MANE Select); coding-DNA positions 116 to 119, 4 bases duplicated (CTAT; older notation c.116_119dupCTAT).
Protein change: p.Met40fs; shifts the reading frame from methionine 40.
Molecular consequence: frameshift variant. On other transcripts: intron variant (1).
Genome position (GRCh38, 1-based): chr9:132,927,292-132,927,295, ATAG duplicated on the plus strand (CTAT on the coding strand, the reverse complement: TSC1 is on the minus strand). VCF-style (leftmost placement, unchanged base first): chr9-132927291-C-CATAG. GRCh37 (hg19) VCF-style: chr9-135802678-C-CATAG.
Other names: c.116_119dup, p.Met40fs (NM_001162426.2, NM_001162427.2); c.-154+1472_-154+1475dup (NM_001362177.2); short protein forms M40fs.
Identifiers: ClinVar variation 817972 (VCV000817972.1), dbSNP rs1588359822, ClinGen allele CA915947270.

ClinVar aggregate classification (germline): Pathogenic (1 of 4 stars; one submission).

Submission:

GeneDx
Classification: Pathogenic. Last evaluated: 2019-01-11. Review status: criteria provided, single submitter. Criteria: GeneDx Variant Classification (06012015). Collection method: clinical testing. Allele origin: germline. Affected: yes.
Comment: The c.116_119dupCTAT pathogenic variant in the TSC1 gene causes a frameshift starting with codon Methionine 40, changes this amino acid to an Isoleucine residue and creates a premature Stop codon at position 31 of the new reading frame, denoted p.Met40IlefsX31. This pathogenic variant is predicted to cause loss of normal protein function either through protein truncation or nonsense-mediated mRNA decay. The c.116_119dupCTAT variant is not observed in large population cohorts (Lek et al., 2016).